The following is an entry in ClinVar:

ClinVar aggregate classification (germline): Likely pathogenic (1 of 4 stars; one submission).

Conditions:
Microcephaly, normal intelligence and immunodeficiency (NBS). Also called: Ataxia telangiectasia variant V1; IMMUNODEFICIENCY, MICROCEPHALY, AND CHROMOSOMAL INSTABILITY; SEEMANOVA SYNDROME II; Immunodeficiency, microcephaly with normal intelligence; Nijmegen breakage syndrome; Microcephaly with normal intelligence immunodeficiency and lymphoreticular malignancies. Identifiers: Orphanet 647, MedGen C0398791, MONDO:0009623, OMIM 251260.

Submission:

Myriad Genetics, Inc.
Classification: Likely pathogenic for Microcephaly, normal intelligence and immunodeficiency. Last evaluated: 2022-01-02. Review status: criteria provided, single submitter. Criteria: Myriad Women's Health Autosomal Recessive and X-Linked Classification Criteria (2021). Collection method: clinical testing. Allele origin: unknown.
Comment: NM_002485.4(NBN):c.144_145delAA(L48Ffs*3) is expected to be pathogenic in the context of Nijmegen breakage syndrome. This variant is predicted to lead to an abnormal or absent protein product due to the creation of a premature termination codon in NBN, a gene where loss-of-function variants are known to be pathogenic. Please note: this variant was assessed in the context of healthy population screening.

NM_002485.5(NBN):c.144_145del (p.Leu48fs)

Gene: NBN (nibrin; minus strand). Cytogenetic location: 8q21.3.
Variant type: Deletion.
Coding change: c.144_145del on transcript NM_002485.5 (MANE Select); coding-DNA positions 144 to 145, 2 bases deleted (AA; older notation c.144_145delAA).
Protein change: p.Leu48fs; shifts the reading frame from leucine 48.
Molecular consequence: frameshift variant. On other transcripts: 5 prime UTR variant (1).
Genome position (GRCh38, 1-based): chr8:89,982,748-89,982,749, TT deleted on the plus strand (AA on the coding strand, the reverse complement: NBN is on the minus strand). VCF-style (leftmost placement, unchanged base first): chr8-89982747-GTT-G. GRCh37 (hg19) VCF-style: chr8-90994975-GTT-G.
Other names: c.-153_-152del (NM_001024688.3); short protein forms L48fs.
Identifiers: ClinVar variation 1726931 (VCV001726931.2), dbSNP rs2488368531, ClinGen allele CA2580079242.